The following is an entry in ClinVar:

ClinVar aggregate classification (germline): Uncertain significance (1 of 4 stars; one submission).

Submission:

GeneDx
Classification: Uncertain significance. Last evaluated: 2025-05-23. Review status: criteria provided, single submitter. Criteria: GeneDx Variant Classification Process June 2021. Collection method: clinical testing. Allele origin: germline. Affected: yes.
Comment: Not observed at significant frequency in large population cohorts (gnomAD); In silico analysis suggests that this missense variant does not alter protein structure/function; Has not been previously published as pathogenic or benign to our knowledge

NM_000310.4(PPT1):c.301A>G (p.Lys101Glu)

Gene: PPT1 (palmitoyl-protein thioesterase 1; minus strand). Cytogenetic location: 1p34.2.
Variant type: single nucleotide variant.
Coding change: c.301A>G on transcript NM_000310.4 (MANE Select); coding-DNA position 301, A replaced by G.
Protein change: p.Lys101Glu; replaces lysine 101 with glutamic acid.
Molecular consequence: missense variant. On other transcripts: intron variant (1).
Genome position (GRCh38, 1-based): chr1:40,092,106, T>C on the plus strand (A>G on the coding strand, the complement: PPT1 is on the minus strand). VCF-style: chr1-40092106-T-C. GRCh37 (hg19) VCF-style: chr1-40557778-T-C.
Other names: c.301A>G, p.Lys101Glu (NM_001363695.2); c.125-2594A>G (NM_001142604.2); short protein forms K101E.
Identifiers: ClinVar variation 4530996 (VCV004530996.1).